The following is an entry in ClinVar:

NM_024408.4(NOTCH2):c.1800G>T (p.Met600Ile)

Gene: NOTCH2 (notch receptor 2; minus strand). Cytogenetic location: 1p12.
Variant type: single nucleotide variant.
Coding change: c.1800G>T on transcript NM_024408.4 (MANE Select); coding-DNA position 1800, G replaced by T.
Protein change: p.Met600Ile; replaces methionine 600 with isoleucine.
Molecular consequence: missense variant.
Genome position (GRCh38, 1-based): chr1:119,963,689, C>A on the plus strand (G>T on the coding strand, the complement: NOTCH2 is on the minus strand). VCF-style: chr1-119963689-C-A. GRCh37 (hg19) VCF-style: chr1-120506312-C-A.
Other names: c.1800G>T, p.Met600Ile (NM_001200001.2); short protein forms M600I.
Identifiers: ClinVar variation 4764848 (VCV004764848.1).

ClinVar aggregate classification (germline): Uncertain significance (1 of 4 stars; one submission).

Conditions:
Hajdu-Cheney syndrome (HJCYS). Also called: Acroosteolysis dominant type; SERPENTINE FIBULA-POLYCYSTIC KIDNEY SYNDROME; ACROOSTEOLYSIS WITH OSTEOPOROSIS AND CHANGES IN SKULL AND MANDIBLE. Identifiers: Orphanet 955, MedGen C0917715, MONDO:0007057, OMIM 102500.

Submission:

Labcorp Genetics (formerly Invitae), Labcorp
Classification: Uncertain significance for Hajdu-Cheney syndrome. Last evaluated: 2025-02-06. Review status: criteria provided, single submitter. Criteria: Invitae Variant Classification Sherloc (09022015). Collection method: clinical testing. Allele origin: germline.
Comment: This sequence change replaces methionine, which is neutral and non-polar, with isoleucine, which is neutral and non-polar, at codon 600 of the NOTCH2 protein (p.Met600Ile). This variant is not present in population databases (gnomAD no frequency). This variant has not been reported in the literature in individuals affected with NOTCH2-related conditions. Invitae Evidence Modeling of protein sequence and biophysical properties (such as structural, functional, and spatial information, amino acid conservation, physicochemical variation, residue mobility, and thermodynamic stability) indicates that this missense variant is not expected to disrupt NOTCH2 protein function with a negative predictive value of 80%. In summary, the available evidence is currently insufficient to determine the role of this variant in disease. Therefore, it has been classified as a Variant of Uncertain Significance.